The following is an entry in ClinVar:

ClinVar aggregate classification (germline): Likely benign. Review status: criteria provided, multiple submitters, no conflicts (2 of 4 stars). 2 submissions from 2 submitters: Likely benign (2). Last evaluated 2023-07-01.

Conditions:
Charcot-Marie-Tooth disease axonal type 2O. Also called: Charcot-Marie-Tooth disease, axonal, type 20; CHARCOT-MARIE-TOOTH NEUROPATHY, AXONAL, TYPE 2O; CHARCOT-MARIE-TOOTH DISEASE, AXONAL, AUTOSOMAL DOMINANT, TYPE 2O; Charcot-Marie-Tooth Neuropathy Type 2O. Identifiers: Orphanet 284232, MedGen C3280220, MONDO:0013644, OMIM 614228.

Allele frequency attached by ClinVar (database versions not stated): gnomAD exomes below 0.00001.
gnomAD v4.1: 1 of 1,614,208 alleles (0.000062%); highest among the groups gnomAD compares: Non-Finnish European, 0.000085%; no homozygotes.

Submissions (2):

CeGaT Center for Human Genetics Tuebingen
Classification: Likely benign. Last evaluated: 2023-07-01. Review status: criteria provided, single submitter. Criteria: CeGaT Center For Human Genetics Tuebingen Variant Classification Criteria Version 2. Collection method: clinical testing. Allele origin: germline. Affected: yes. Observed: 1 variant allele.
Comment: DYNC1H1: PM2:Supporting, BP4, BP7

Labcorp Genetics (formerly Invitae), Labcorp
Classification: Likely benign for Charcot-Marie-Tooth disease axonal type 2O. Last evaluated: 2022-04-24. Review status: criteria provided, single submitter. Criteria: Invitae Variant Classification Sherloc (09022015). Collection method: clinical testing. Allele origin: germline.

NM_001376.5(DYNC1H1):c.9243A>G (p.Thr3081=)

Genes: DYNC1H1 (dynein cytoplasmic 1 heavy chain 1; plus strand), LOC126862060 (BRD4-independent group 4 enhancer GRCh37_chr14:102493659-102494858; plus strand). Cytogenetic location: 14q32.31.
Variant type: single nucleotide variant.
Coding change: c.9243A>G on transcript NM_001376.5 (MANE Select); coding-DNA position 9243, A replaced by G.
Protein change: p.Thr3081=; no amino-acid change (threonine 3081 retained).
Molecular consequence: synonymous variant.
Genome position (GRCh38, 1-based): chr14:102,027,813, A>G. VCF-style: chr14-102027813-A-G. GRCh37 (hg19) VCF-style: chr14-102494150-A-G.
Identifiers: ClinVar variation 2130038 (VCV002130038.28), dbSNP rs1375725993, ClinGen allele CA488185280.
Genomic context (GRCh38, chr14:102,027,813, plus strand): 5'-CCTCCACGTCGTGTTCACCATGAACCCGTCCTCGGAGGGACTCAAGGACCGGGCAGCTAC[A>G]TCACCAGCACTTTTCAACAGGTACGTGGGCCTTTACTTGGCTCTGGGTCAGGAAAGTCGG-3'
Protein context (NP_001367.2, residues 3071-3091): SSEGLKDRAA[Thr3081=]SPALFNRCVL